The following is an entry in ClinVar:

ClinVar aggregate classification (germline): Uncertain significance (1 of 4 stars; one submission).

Conditions:
Primary ciliary dyskinesia 6. Also called: Primary Ciliary Dyskinesia 6: TXNDC3-Related Primary Ciliary Dyskinesia. Identifiers: Orphanet 244, MedGen C1970506, MONDO:0012571, OMIM 610852.

Submission:

Labcorp Genetics (formerly Invitae), Labcorp
Classification: Uncertain significance for Primary ciliary dyskinesia 6. Last evaluated: 2019-07-30. Review status: criteria provided, single submitter. Criteria: Invitae Variant Classification Sherloc (09022015). Collection method: clinical testing. Allele origin: germline.
Comment: In summary, the available evidence is currently insufficient to determine the role of this variant in disease. Therefore, it has been classified as a Variant of Uncertain Significance. Algorithms developed to predict the effect of missense changes on protein structure and function are either unavailable or do not agree on the potential impact of this missense change (SIFT: "Deleterious"; PolyPhen-2: "Probably Damaging"; Align-GVGD: "Class C0"). This variant has not been reported in the literature in individuals with NME8-related conditions. This variant is not present in population databases (ExAC no frequency). This sequence change replaces glycine with cysteine at codon 123 of the NME8 protein (p.Gly123Cys). The glycine residue is highly conserved and there is a large physicochemical difference between glycine and cysteine.

NM_016616.5(NME8):c.367G>T (p.Gly123Cys)

Gene: NME8 (NME/NM23 family member 8; plus strand). Cytogenetic location: 7p14.1.
Variant type: single nucleotide variant.
Coding change: c.367G>T on transcript NM_016616.5 (MANE Select); coding-DNA position 367, G replaced by T.
Protein change: p.Gly123Cys; replaces glycine 123 with cysteine.
Molecular consequence: missense variant.
Genome position (GRCh38, 1-based): chr7:37,862,124, G>T. VCF-style: chr7-37862124-G-T. GRCh37 (hg19) VCF-style: chr7-37901726-G-T.
Other names: short protein forms G123C.
Identifiers: ClinVar variation 959315 (VCV000959315.9), dbSNP rs770842803, ClinGen allele CA367221405.